The following is an entry in ClinVar:

NM_000455.5(STK11):c.1148G>C (p.Arg383Pro)

Gene: STK11 (serine/threonine kinase 11; plus strand). Cytogenetic location: 19p13.3.
Variant type: single nucleotide variant.
Coding change: c.1148G>C on transcript NM_000455.5 (MANE Select); coding-DNA position 1148, G replaced by C.
Protein change: p.Arg383Pro; replaces arginine 383 with proline.
Molecular consequence: missense variant.
Genome position (GRCh38, 1-based): chr19:1,226,493, G>C. VCF-style: chr19-1226493-G-C. GRCh37 (hg19) VCF-style: chr19-1226492-G-C.
Other names: short protein forms R383P.
Identifiers: ClinVar variation 1913842 (VCV001913842.6), dbSNP rs730881990, ClinGen allele CA402953373.
Genomic context (GRCh38, chr19:1,226,493, plus strand): 5'-CACTTGCCGTCTCCCTCCCAGGACAGGTCCCAGAAGAGGAGGCCAGTCACAATGGACAGC[G>C]CCGGGGCCTCCCCAAGGCCGTGTGTATGAACGGCACAGAGGCGGCGCAGCTGAGCACCAA-3'
Protein context (NP_000446.1, residues 373-393): PEEEASHNGQ[Arg383Pro]RGLPKAVCMN

ClinVar aggregate classification (germline): Conflicting classifications of pathogenicity. Review status: criteria provided, conflicting classifications (1 of 4 stars). 2 submissions from 2 submitters: Uncertain significance (1); Likely benign (1). Last evaluated 2025-03-13.

Conditions:
Hereditary cancer-predisposing syndrome. Also called: Neoplastic Syndromes, Hereditary; Tumor predisposition; Hereditary neoplastic syndrome; Hereditary Cancer Syndrome. Identifiers: Orphanet 140162, MedGen C0027672, MeSH D009386, MONDO:0015356.
Peutz-Jeghers syndrome (PJS). Also called: Peutz-Jeghers polyposis; Periorificial lentiginosis syndrome; POLYPOSIS, HAMARTOMATOUS INTESTINAL; POLYPS-AND-SPOTS SYNDROME. Identifiers: Orphanet 2869, MedGen C0031269, MeSH D010580, MONDO:0008280, OMIM 175200.

Submissions (2):

Ambry Genetics
Classification: Likely benign for Hereditary cancer-predisposing syndrome. Last evaluated: 2025-03-13. Review status: criteria provided, single submitter. Criteria: Ambry Variant Classification Scheme 2023. Collection method: clinical testing. Allele origin: germline.

Labcorp Genetics (formerly Invitae), Labcorp
Classification: Uncertain significance for Peutz-Jeghers syndrome. Last evaluated: 2022-02-19. Review status: criteria provided, single submitter. Criteria: Invitae Variant Classification Sherloc (09022015). Collection method: clinical testing. Allele origin: germline.
Comment: This variant has not been reported in the literature in individuals affected with STK11-related conditions. Advanced modeling of protein sequence and biophysical properties (such as structural, functional, and spatial information, amino acid conservation, physicochemical variation, residue mobility, and thermodynamic stability) performed at Invitae indicates that this missense variant is not expected to disrupt STK11 protein function. This variant is not present in population databases (gnomAD no frequency). This sequence change replaces arginine, which is basic and polar, with proline, which is neutral and non-polar, at codon 383 of the STK11 protein (p.Arg383Pro). In summary, the available evidence is currently insufficient to determine the role of this variant in disease. Therefore, it has been classified as a Variant of Uncertain Significance.